The following is an entry in ClinVar:

NM_000521.4(HEXB):c.439G>T (p.Glu147Ter)

Gene: HEXB (hexosaminidase subunit beta; plus strand). Cytogenetic location: 5q13.3.
Variant type: single nucleotide variant.
Coding change: c.439G>T on transcript NM_000521.4 (MANE Select); coding-DNA position 439, G replaced by T.
Protein change: p.Glu147Ter; replaces glutamic acid 147 with a stop codon.
Molecular consequence: nonsense. On other transcripts: 5 prime UTR variant (1).
Genome position (GRCh38, 1-based): chr5:74,689,467, G>T. VCF-style: chr5-74689467-G-T. GRCh37 (hg19) VCF-style: chr5-73985292-G-T.
Other names: c.-237G>T (NM_001292004.2); short protein forms E147*.
Identifiers: ClinVar variation 2766556 (VCV002766556.3), dbSNP rs1748946983, ClinGen allele CA360063158.
Genomic context (GRCh38, chr5:74,689,467, plus strand): 5'-CTTCTTGTCTCAATCACCCTTCAGTCAGAGTGTGATGCTTTCCCCAACATATCTTCAGAT[G>T]AGTCTTGTAAGTACCTATGCAATGTGAGTGTATTATATCCCAGGTGCTCGCTGACGGACT-3'

ClinVar aggregate classification (germline): Pathogenic (1 of 4 stars; one submission).

Conditions:
Sandhoff disease. Also called: GM2-GANGLIOSIDOSIS, TYPE II; HEXOSAMINIDASES A AND B DEFICIENCY; Beta-hexosaminidase-beta-subunit deficiency; GM2 gangliosidosis, type 2; Total hexosaminidase deficiency; Sandhoff-Jatzkewitz-Pilz disease. Identifiers: Orphanet 796, MedGen C0036161, MONDO:0010006, OMIM 268800.

Allele frequency attached by ClinVar (database versions not stated): gnomAD 0.00001.
gnomAD v4.1: 1 of 1,613,338 alleles (0.000062%); highest among the groups gnomAD compares: South Asian, 0.0011%; no homozygotes.

Submission:

Labcorp Genetics (formerly Invitae), Labcorp
Classification: Pathogenic for Sandhoff disease. Last evaluated: 2023-10-13. Review status: criteria provided, single submitter. Criteria: Invitae Variant Classification Sherloc (09022015). Collection method: clinical testing. Allele origin: germline.
Comment: This sequence change creates a premature translational stop signal (p.Glu147*) in the HEXB gene. It is expected to result in an absent or disrupted protein product. Loss-of-function variants in HEXB are known to be pathogenic (PMID: 7550345, 18758829). This variant is not present in population databases (gnomAD no frequency). This variant has not been reported in the literature in individuals affected with HEXB-related conditions. For these reasons, this variant has been classified as Pathogenic.

Literature cited by the submitters: PubMed 7550345; PubMed 18758829.